The following is an entry in ClinVar:

NM_001080414.4(CCDC88C):c.5236A>G (p.Lys1746Glu)

Gene: CCDC88C (coiled-coil and HOOK domain protein 88C; minus strand). Cytogenetic location: 14q32.11.
Variant type: single nucleotide variant.
Coding change: c.5236A>G on transcript NM_001080414.4 (MANE Select); coding-DNA position 5236, A replaced by G.
Protein change: p.Lys1746Glu; replaces lysine 1746 with glutamic acid.
Molecular consequence: missense variant. On other transcripts: non-coding transcript variant (2).
Genome position (GRCh38, 1-based): chr14:91,273,476, T>C on the plus strand (A>G on the coding strand, the complement: CCDC88C is on the minus strand). VCF-style: chr14-91273476-T-C. GRCh37 (hg19) VCF-style: chr14-91739820-T-C.
Other names: short protein forms K1746E.
Identifiers: ClinVar variation 4975261 (VCV004975261.1).

ClinVar aggregate classification (germline): Uncertain significance (1 of 4 stars; one submission).

Submission:

GeneDx
Classification: Uncertain significance. Last evaluated: 2026-01-28. Review status: criteria provided, single submitter. Criteria: GeneDx Variant Classification Process June 2021. Collection method: clinical testing. Allele origin: germline.
Comment: Not observed at significant frequency in large population cohorts (gnomAD); In silico analysis supports that this missense variant has a deleterious effect on protein structure/function; Has not been previously published as pathogenic or benign to our knowledge